The following is an entry in ClinVar:

NM_001353345.2(SETD1B):c.3399C>T (p.Asp1133=)

Gene: SETD1B (SET domain containing 1B, histone lysine methyltransferase; plus strand). Cytogenetic location: 12q24.31.
Variant type: single nucleotide variant.
Coding change: c.3399C>T on transcript NM_001353345.2 (MANE Select); coding-DNA position 3399, C replaced by T.
Protein change: p.Asp1133=; no amino-acid change (aspartic acid 1133 retained).
Molecular consequence: synonymous variant.
Genome position (GRCh38, 1-based): chr12:121,817,885, C>T. VCF-style: chr12-121817885-C-T. GRCh37 (hg19) VCF-style: chr12-122255791-C-T.
Identifiers: ClinVar variation 2643461 (VCV002643461.25), dbSNP rs371213953, ClinGen allele CA244644687.

ClinVar aggregate classification (germline): Likely benign. Review status: criteria provided, multiple submitters, no conflicts (2 of 4 stars). 2 submissions from 2 submitters: Likely benign (2). Last evaluated 2025-12-01.

Allele frequency attached by ClinVar (database versions not stated): 1000 Genomes Project 30x 0.00016; ESP Exome Variant Server 0.00022; gnomAD 0.00023; TOPMed 0.00026; 1000 Genomes Project 0.00040.
gnomAD v4.1: 252 of 1,549,664 alleles (0.016%); highest among the groups gnomAD compares: Non-Finnish European, 0.02%; no homozygotes.

Submissions (2):

CeGaT Center for Human Genetics Tuebingen
Classification: Likely benign. Last evaluated: 2025-12-01. Review status: criteria provided, single submitter. Criteria: CeGaT Center For Human Genetics Tuebingen Variant Classification Criteria Version 2. Collection method: clinical testing. Allele origin: germline. Affected: yes. Observed: 2 variant alleles.
Comment: SETD1B: BP4, BP7

Blueprint Genetics
Classification: Likely benign. Last evaluated: 2024-06-19. Review status: criteria provided, single submitter. Criteria: ACMG Guidelines, 2015. Collection method: clinical testing. Allele origin: germline.